The following is an entry in ClinVar:

ClinVar aggregate classification (germline): Uncertain significance (1 of 4 stars; one submission).

Allele frequency attached by ClinVar (database versions not stated): ExAC 0.00001; gnomAD 0.00001; TOPMed 0.00002.
gnomAD v4.1: 1 of 1,521,034 alleles (0.000066%); highest among the groups gnomAD compares: East Asian, 0.0023%; no homozygotes.

Submission:

Labcorp Genetics (formerly Invitae), Labcorp
Classification: Uncertain significance. Last evaluated: 2022-04-20. Review status: criteria provided, single submitter. Criteria: Invitae Variant Classification Sherloc (09022015). Collection method: clinical testing. Allele origin: germline.
Comment: This sequence change replaces glycine, which is neutral and non-polar, with valine, which is neutral and non-polar, at codon 446 of the IL2RB protein (p.Gly446Val). The frequency data for this variant in the population databases is considered unreliable, as metrics indicate poor data quality at this position in the gnomAD database. This variant has not been reported in the literature in individuals affected with IL2RB-related conditions. Algorithms developed to predict the effect of missense changes on protein structure and function (SIFT, PolyPhen-2, Align-GVGD) all suggest that this variant is likely to be tolerated. In summary, the available evidence is currently insufficient to determine the role of this variant in disease. Therefore, it has been classified as a Variant of Uncertain Significance.

NM_000878.5(IL2RB):c.1337G>T (p.Gly446Val)

Gene: IL2RB (interleukin 2 receptor subunit beta; minus strand). Cytogenetic location: 22q12.3.
Variant type: single nucleotide variant.
Coding change: c.1337G>T on transcript NM_000878.5 (MANE Select); coding-DNA position 1337, G replaced by T.
Protein change: p.Gly446Val; replaces glycine 446 with valine.
Molecular consequence: missense variant.
Genome position (GRCh38, 1-based): chr22:37,128,415, C>A on the plus strand (G>T on the coding strand, the complement: IL2RB is on the minus strand). VCF-style: chr22-37128415-C-A. GRCh37 (hg19) VCF-style: chr22-37524455-C-A.
Other names: c.1337G>T, p.Gly446Val (NM_001346222.1, NM_001346223.2); short protein forms G446V.
Identifiers: ClinVar variation 2124294 (VCV002124294.1), dbSNP rs773290833, ClinGen allele CA10216355.